The following is an entry in ClinVar:

NM_000540.3(RYR1):c.14740A>T (p.Arg4914Trp)

Gene: RYR1 (ryanodine receptor 1; plus strand). Cytogenetic location: 19q13.2.
Variant type: single nucleotide variant.
Coding change: c.14740A>T on transcript NM_000540.3 (MANE Select); coding-DNA position 14740, A replaced by T.
Protein change: p.Arg4914Trp; replaces arginine 4914 with tryptophan.
Molecular consequence: missense variant.
Genome position (GRCh38, 1-based): chr19:38,585,036, A>T. VCF-style: chr19-38585036-A-T. GRCh37 (hg19) VCF-style: chr19-39075676-A-T.
Other names: p.Arg4914Trp; c.14725A>T, p.Arg4909Trp (NM_001042723.2); short protein forms R4909W, R4914W.
Identifiers: ClinVar variation 4814018 (VCV004814018.1).

ClinVar aggregate classification (germline): Likely pathogenic (1 of 4 stars; one submission).

Conditions:
Congenital multicore myopathy with external ophthalmoplegia (CMYO1B). Also called: Minicore myopathy with external ophthalmoplegia; MULTIMINICORE DISEASE WITH EXTERNAL OPHTHALMOPLEGIA; MULTICORE MYOPATHY; Congenital myopathy 1B, autosomal recessive; Minicore myopathy. Identifiers: Orphanet 598, Orphanet 98905, MedGen C1850674, MONDO:0009712, OMIM 255320, HP:0003789.

Submission:

Department of Molecular Genetics, Istishari Arab Hospital
Classification: Likely pathogenic for Congenital multicore myopathy with external ophthalmoplegia. Last evaluated: 2026-03-24. Review status: criteria provided, single submitter. Criteria: ACMG Guidelines, 2015. Collection method: clinical testing. Allele origin: germline. Inheritance: Autosomal recessive inheritance. Affected: yes.
Comment: The RYR1 variant c.14740A>T, p.Arg4914Trp creates an amino acid change from Arg to Trp at position 4914. The variant is not observed in the gnomAD v4.1.0 dataset, and to the best of our knowledge, was not previously reported in the literature. According to HGMD, different missense changes at the same codon (p.Arg4914Gly (PMID: 11709545), p.Arg4914Thr (PMID: 12565913)) have been reported as disease-causing for Central core disease. It is classified as likely pathogenic according to the recommendations of ACMG/AMP/ClinGen SVI guidelines

Literature cited by the submitters: PubMed 11709545; PubMed 12565913.